The following is an entry in ClinVar:

ClinVar aggregate classification (germline): Uncertain significance (1 of 4 stars; one submission).

Conditions:
Inborn genetic diseases. Identifiers: MedGen C0950123, MeSH D030342.

Submission:

Ambry Genetics
Classification: Uncertain significance for Inborn genetic diseases. Last evaluated: 2024-02-04. Review status: criteria provided, single submitter. Criteria: Ambry Variant Classification Scheme 2023. Collection method: clinical testing. Allele origin: germline.
Comment: The p.T1044N variant (also known as c.3131C>A), located in coding exon 25 of the ABCC8 gene, results from a C to A substitution at nucleotide position 3131. The threonine at codon 1044 is replaced by asparagine, an amino acid with similar properties. This amino acid position is conserved. In addition, this alteration is predicted to be tolerated by in silico analysis. Based on the available evidence, the clinical significance of this alteration remains unclear.

NM_000352.6(ABCC8):c.3131C>A (p.Thr1044Asn)

Gene: ABCC8 (ATP binding cassette subfamily C member 8; minus strand). Cytogenetic location: 11p15.1.
Variant type: single nucleotide variant.
Coding change: c.3131C>A on transcript NM_000352.6 (MANE Select); coding-DNA position 3131, C replaced by A.
Protein change: p.Thr1044Asn; replaces threonine 1044 with asparagine.
Molecular consequence: missense variant. On other transcripts: non-coding transcript variant (1).
Genome position (GRCh38, 1-based): chr11:17,406,919, G>T on the plus strand (C>A on the coding strand, the complement: ABCC8 is on the minus strand). VCF-style: chr11-17406919-G-T. GRCh37 (hg19) VCF-style: chr11-17428466-G-T.
Other names: c.3134C>A, p.Thr1045Asn (NM_001287174.3); c.3197C>A, p.Thr1066Asn (NM_001351295.2); c.3131C>A, p.Thr1044Asn (NM_001351296.2); c.3128C>A, p.Thr1043Asn (NM_001351297.2); short protein forms T1043N, T1044N, T1045N, T1066N.
Identifiers: ClinVar variation 3231260 (VCV003231260.1), dbSNP rs2496529934, ClinGen allele CA379803198.